The following continues an entry in ClinVar:

NM_001018005.2(TPM1):c.62G>T (p.Arg21Leu)

Gene: TPM1. ClinVar aggregate classification (germline): Conflicting classifications of pathogenicity. Likely pathogenic (14); Uncertain significance (7).

Submissions 8 to 21 of 21:

Color Diagnostics, LLC DBA Color Health
Classification: Likely pathogenic for Cardiomyopathy. Last evaluated: 2025-06-09. Review status: criteria provided, single submitter. Criteria: ACMG Guidelines, 2015. Collection method: clinical testing. Allele origin: germline.
Comment: This missense variant replaces arginine with leucine at codon 21 in the actin binding region of the TPM1 protein. Computational prediction suggests that this variant may have a deleterious impact on protein structure and function. To our knowledge, functional studies have not been reported for this variant. This variant has been observed in over 30 families affected with hypertrophic cardiomyopathy (PMID: 33642254). Overall, 39 heterozygous affected individuals (age range 11-73 years) and 5 homozygous individuals (age range 40-71 years) were observed in this study with highly variable age of onset, as well as 22 heterozygous unaffected individual (age range 9-80 years). This variant has been shown to segregate with disease in 8 families (11 informative segregations) (PMID: 33642254). This variant has also been reported in 5 other unrelated heterozygous individuals affected with hypertrophic cardiomyopathy (PMID: 28138913, 28771489, 28797094, 37498360ClinVar SCV000995152.1), one of whom carried a pathogenic variant in the MYBPC3 gene (PMID: 28771489). This variant has also been reported in one individual affected with sudden death (PMID: 33642254). This variant has been identified in 5/246812 chromosomes (5/34311of Latino) in the general population by the Genome Aggregation Database (gnomAD). Based on the available evidence, this variant is classified as Likely Pathogenic.

Molecular Diagnostic Laboratory for Inherited Cardiovascular Disease, Montreal Heart Institute
Classification: Likely pathogenic for Cardiovascular phenotype. Last evaluated: 2025-01-22. Review status: criteria provided, single submitter. Criteria: ACMG Guidelines, 2015. Collection method: clinical testing. Allele origin: germline. Affected: yes.
Comment: PS4;PM1;PM2;PP1_strong;PP2;PP3; BP5

All of Us Research Program, National Institutes of Health
Classification: Likely pathogenic for Hypertrophic cardiomyopathy. Last evaluated: 2024-09-24. Review status: criteria provided, single submitter. Criteria: ACMG Guidelines, 2015. Collection method: clinical testing. Allele origin: germline. Inheritance: Autosomal dominant inheritance. Observed: 7 variant alleles, 7 heterozygotes.
Comment: This missense variant replaces arginine with leucine at codon 21 in the actin binding region of the TPM1 protein. Computational prediction suggests that this variant may have a deleterious impact on protein structure and function (internally defined REVEL score threshold >= 0.7, PMID: 27666373). To our knowledge, functional studies have not been reported for this variant. This variant has been observed in over 30 families affected with hypertrophic cardiomyopathy (PMID: 33642254). Overall, 39 heterozygous affected individuals (age range 11-73 years) and 5 homozygous individuals (age range 40-71 years) were observed in this study with highly variable age of onset, as well as 22 heterozygous unaffected individual (age range 9-80 years). This variant has been shown to segregate with disease in 8 families (11 informative segregations) (PMID: 33642254). This variant has also been reported in 4 other unrelated heterozygous individuals affected with hypertrophic cardiomyopathy (PMID: 28138913, 28771489, 28797094, 33642254, 37498360), one of whom carried a pathogenic variant in the MYBPC3 gene (PMID: 28771489). This variant has also been reported in an individual affected with sudden death (PMID: 33642254). This variant has been identified in 5/246812 chromosomes (5/34311of Latino) in the general population by the Genome Aggregation Database (gnomAD). Based on the available evidence, this variant is classified as Likely Pathogenic.

This study involves interpretation of variants in research participants for the purpose of population health screening. Participant phenotype was not available at the time of variant classification. Additional details can be found in publication PMID: 35346344, PMCID: PMC8962531

Laboratory for Molecular Medicine, Mass General Brigham Personalized Medicine
Classification: Likely pathogenic for Hypertrophic cardiomyopathy. Last evaluated: 2024-03-22. Review status: criteria provided, single submitter. Criteria: ACMG Guidelines, 2015. Collection method: clinical testing. Allele origin: germline. Inheritance: Autosomal dominant inheritance.
Comment: proposed classification - variant undergoing re-assessment, contact laboratory

Victorian Clinical Genetics Services, Murdoch Childrens Research Institute
Classification: Uncertain significance for Hypertrophic cardiomyopathy 3. Last evaluated: 2023-07-16. Review status: criteria provided, single submitter. Criteria: ACMG Guidelines, 2015. Collection method: clinical testing. Allele origin: germline. Inheritance: Autosomal dominant inheritance.
Comment: Based on the classification scheme VCGS_Germline_v1.3.4, this variant is classified as VUS-3B. Following criteria are met: 0105 - The mechanism of disease for this gene is not clearly established, although it has been suggested that that HCM is caused by gain of function missense variants while DCM is caused by loss of function missense variants (PMID: 31270709). (I) 0107 - This gene is associated with autosomal dominant disease. (I) 0112 - The condition associated with this gene has incomplete penetrance. Variants in this gene have been associated with late-onset disease or incomplete penetrance (PMIDs: 33642254; 32882290, 32731933). (I) 0200 - Variant is predicted to result in a missense amino acid change from arginine to leucine. (I) 0251 - This variant is heterozygous. (I) 0302 - Variant is present in gnomAD (v2) <0.001 for a dominant condition (5 heterozygotes, 0 homozygotes). (SP) 0501 - Missense variant consistently predicted to be damaging by multiple in silico tools or highly conserved with a major amino acid change. (SP) 0604 - Variant is not located in an established domain, motif, hotspot or informative constraint region. (I) 0703 - Other missense variants comparable to the one identified in this case have moderate previous evidence for pathogenicity. The p.(Arg21His) variant has been reported in one HCM individual, while the p.(Arg21Cys) variant has been reported in two unrelated HCM individuals, although there is limited information provided (PMIDs: 16005017, 21239446). (SP) 0808 - Previous reports of pathogenicity for this variant are conflicting. This variant has been classified multiple times as VUS and has been identified in multiple individuals with HCM and other cardiac-related phenotypes, a number of whom also harboured a likely pathogenic or pathogenic variant in MYBPC3 or VUS in other cardiac genes (personal communication from ClinVar submitters; PMIDs: 28771489, 33919104, 33642254, 33495597). (I) 0905 - No published segregation evidence has been identified for this variant. (I) 1007 - No published functional evidence has been identified for this variant. (I) 1208 - Inheritance information for this variant is not currently available in this individual. (I) Legend: (SP) - Supporting pathogenic, (I) - Information, (SB) - Supporting benign

New York Genome Center
Classification: Likely pathogenic for Dilated cardiomyopathy 1Y; Hypertrophic cardiomyopathy 3. Last evaluated: 2023-06-22. Review status: criteria provided, single submitter. Criteria: NYGC Assertion Criteria 2020. Collection method: clinical testing. Allele origin: germline. Observed: 1 heterozygote.
Comment: The c.62G>T variant in TPM1 has previously been reported in multiple individuals with hypertrophic cardiomyopathy (HCM) and sudden death in homozygous, heterozygous, and also found to co-occur with additional gene variants [PMID: 28138913, 28797094, 33919104, 33642254]. Additionally, this variant was reported to be absent in controls, was found to segregate with disease, and associated with late-onset, incomplete penetrance, and milder clinical course [PMID: 33642254]. This variant has been deposited in ClinVar [ClinVar ID: 181678] as Variant of Uncertain Significance/Likely Pathogenic. The c.62G>T variant is observed in 22 alleles (~0.004% minor allele frequency with 0 homozygotes) in population databases (gnomAD v2.1.1 and v3.1.2, TOPMed Freeze 8, All of Us), suggesting it is not a common benign variant in the populations represented in those databases. The c.62G>T variant in TPM1 is located in exon 1 of this 10-exon gene and predicted to replace an evolutionarily conserved arginine amino acid with leucine at position 21 in the N-terminal region of the encoded protein which is reported to be crucial for binding of TPM1 with actin protein [PMID:26873245, 11964245, 30240712, 33642254]. In silico predictions are in favor of damaging effect for p.(Arg21Leu) [(CADD v1.6 = 24.3, REVEL = 0.773)]; however, there are no functional studies to support or refute these predictions. Another missense substitution affecting the same protein residue p.(Arg21His) has previously been identified in an individual with hypertrophic cardiomyopathy and shown to be functionally damaging [PMID: 21239446, 29105867]. Based on available evidence this c.62G>T p.(Arg21Leu) variant identified in TPM1 is classified as Likely Pathogenic.

Blueprint Genetics
Classification: Uncertain significance. Last evaluated: 2023-01-31. Review status: criteria provided, single submitter. Criteria: ACMG Guidelines, 2015. Collection method: clinical testing. Allele origin: germline.

CHEO Genetics Diagnostic Laboratory, Children's Hospital of Eastern Ontario
Classification: Uncertain significance for Cardiomyopathy. Last evaluated: 2022-07-22. Review status: criteria provided, single submitter. Criteria: ACMG Guidelines, 2015. Collection method: clinical testing. Allele origin: germline.

Mendelics
Classification: Uncertain significance. Last evaluated: 2022-05-04. Review status: criteria provided, single submitter. Criteria: Mendelics Assertion Criteria 2019. Collection method: clinical testing. Allele origin: germline.

Laboratorio de Genetica e Diagnostico Molecular, Hospital Israelita Albert Einstein
Classification: Uncertain significance. Last evaluated: 2021-12-06. Review status: criteria provided, single submitter. Criteria: ACMG Guidelines, 2015. Collection method: clinical testing. Allele origin: germline. Affected: yes.
Comment: ACMG classification criteria: PM2, PP3

AiLife Diagnostics
Classification: Uncertain significance. Last evaluated: 2021-12-03. Review status: criteria provided, single submitter. Criteria: ACMG Guidelines, 2015. Collection method: clinical testing. Allele origin: germline. Affected: yes. Observed: 2 variant alleles.

Center for Advanced Laboratory Medicine, UC San Diego Health, University of California San Diego
Classification: Uncertain significance for Hypertrophic cardiomyopathy. Last evaluated: 2018-11-22. Review status: criteria provided, single submitter. Criteria: ACMG Guidelines, 2015. Collection method: clinical testing. Allele origin: germline. Affected: yes. Observed: 1 variant allele.

Clinical Genetics Service, Universitary Hospital 12 de Octubre
Classification: Likely pathogenic for Hypertrophic cardiomyopathy 3. Review status: criteria provided, single submitter. Criteria: ACMG Guidelines, 2015. Collection method: clinical testing. Allele origin: germline. Affected: yes.

Laboratory of Genetics and Molecular Cardiology, University of São Paulo
Classification: Likely pathogenic for Hypertrophic cardiomyopathy 3. Review status: criteria provided, single submitter. Criteria: LGCM Criteria August 2015. Collection method: clinical testing. Allele origin: germline. Inheritance: Autosomal dominant inheritance. Affected: yes. Observed: 1 variant allele. Study: Sarcomeric Human Cardiomyopathy Registry (ShaRe).

Literature cited by the submitters: PubMed 28138913 (cited by 7 submitters); PubMed 28771489 (cited by 5 submitters); PubMed 28797094 (cited by 6 submitters); PubMed 29105867 (cited by Ambry Genetics); PubMed 33495596 (cited by Ambry Genetics); PubMed 33495597 (cited by 3 submitters); PubMed 33642254 (cited by 9 submitters); PubMed 33919104 (cited by 4 submitters); PubMed 37498360 (cited by 3 submitters); PubMed 37652022 (cited by Labcorp Genetics (formerly Invitae), Labcorp); PubMed 16005017 (cited by Victorian Clinical Genetics Services, Murdoch Childrens Research Institute); PubMed 21239446 (cited by Victorian Clinical Genetics Services, Murdoch Childrens Research Institute); PubMed 31270709 (cited by Victorian Clinical Genetics Services, Murdoch Childrens Research Institute); PubMed 32731933 (cited by Victorian Clinical Genetics Services, Murdoch Childrens Research Institute); PubMed 32882290 (cited by Victorian Clinical Genetics Services, Murdoch Childrens Research Institute).